The following is an entry in ClinVar:

ClinVar aggregate classification (germline): Pathogenic (1 of 4 stars; one submission).

Conditions:
ANK3-related disorder. Also called: ANK3-related condition.

Submission:

Greenwood Genetic Center Diagnostic Laboratories, Greenwood Genetic Center
Classification: Pathogenic for ANK3-related disorder. Last evaluated: 2023-05-29. Review status: criteria provided, single submitter. Criteria: ACMG Guidelines, 2015. Collection method: clinical testing. Allele origin: germline. Affected: yes.
Comment: PVS1, PS2, PM2

NM_020987.5(ANK3):c.5843_5844dup (p.Glu1949Ter)

Gene: ANK3 (ankyrin 3; minus strand). Cytogenetic location: 10q21.2.
Variant type: Duplication.
Coding change: c.5843_5844dup on transcript NM_020987.5 (MANE Select); coding-DNA positions 5843 to 5844, 2 bases duplicated (TA; older notation c.5843_5844dupTA).
Protein change: p.Glu1949Ter; replaces glutamic acid 1949 with a stop codon.
Molecular consequence: nonsense. On other transcripts: intron variant (4).
Genome position (GRCh38, 1-based): chr10:60,075,037-60,075,038, TA duplicated on the plus strand (TA on the coding strand, the reverse complement: ANK3 is on the minus strand). VCF-style (leftmost placement, unchanged base first): chr10-60075036-C-CTA. GRCh37 (hg19) VCF-style: chr10-61834794-C-CTA.
Other names: c.4387+5499_4387+5500dup (NM_001204403.2); c.4408+5499_4408+5500dup (NM_001204404.2); c.4405+5499_4405+5500dup (NM_001320874.2); c.1807+5499_1807+5500dup (NM_001149.4); short protein forms E1949*.
Identifiers: ClinVar variation 1334683 (VCV001334683.5), dbSNP rs2131982810, ClinGen allele CA2573053283.